The following is an entry in ClinVar:

NM_001378120.1(MBD5):c.4648C>A (p.Gln1550Lys)

Gene: MBD5 (methyl-CpG binding domain protein 5; plus strand). Cytogenetic location: 2q23.1.
Variant type: single nucleotide variant.
Coding change: c.4648C>A on transcript NM_001378120.1 (MANE Select); coding-DNA position 4648, C replaced by A.
Protein change: p.Gln1550Lys; replaces glutamine 1550 with lysine.
Molecular consequence: missense variant.
Genome position (GRCh38, 1-based): chr2:148,490,280, C>A. VCF-style: chr2-148490280-C-A. GRCh37 (hg19) VCF-style: chr2-149247849-C-A.
Other names: c.3949C>A, p.Gln1317Lys (NM_018328.5); short protein forms Q1317K, Q1550K.
Identifiers: ClinVar variation 1024125 (VCV001024125.11), dbSNP rs764472472, ClinGen allele CA1900452.
Genomic context (GRCh38, chr2:148,490,280, plus strand): 5'-CAGAGTCGGGGATTTGGAGAGCTGCTAAGCACTGCAAAGCAAGACCTGGTCCTAGAGGAG[C>A]AGTCTCCAAGTTCCTCAAATAGTTTGGAAAATTCTCTGGTCAAAGACTACATCCATTACA-3'
Protein context (NP_001365049.1, residues 1540-1560): TAKQDLVLEE[Gln1550Lys]SPSSSNSLEN

ClinVar aggregate classification (germline): Uncertain significance (1 of 4 stars; one submission).

Conditions:
Intellectual developmental disorder, autosomal dominant 1. Also called: Intellectual disability, autosomal dominant 1; MBD5 Haploinsufficiency. Identifiers: Orphanet 228402, MedGen C1969562, MONDO:0007974, OMIM 156200.

Allele frequency attached by ClinVar (database versions not stated): gnomAD 0.00001; TOPMed 0.00001; gnomAD exomes 0.00002 and 0.00001; ExAC 0.00002.
gnomAD v4.1: 6 of 1,614,052 alleles (0.00037%); highest among the groups gnomAD compares: Admixed American, 0.01%; no homozygotes.

Submission:

Labcorp Genetics (formerly Invitae), Labcorp
Classification: Uncertain significance for Intellectual developmental disorder, autosomal dominant 1. Last evaluated: 2024-05-14. Review status: criteria provided, single submitter. Criteria: Invitae Variant Classification Sherloc (09022015). Collection method: clinical testing. Allele origin: germline.
Comment: This sequence change replaces glutamine, which is neutral and polar, with lysine, which is basic and polar, at codon 1317 of the MBD5 protein (p.Gln1317Lys). This variant is present in population databases (rs764472472, gnomAD 0.01%). This variant has not been reported in the literature in individuals affected with MBD5-related conditions. ClinVar contains an entry for this variant (Variation ID: 1024125). Experimental studies and prediction algorithms are not available or were not evaluated, and the functional significance of this variant is currently unknown. In summary, the available evidence is currently insufficient to determine the role of this variant in disease. Therefore, it has been classified as a Variant of Uncertain Significance.